The following is an entry in ClinVar:

NM_181426.2(CCDC39):c.931-1G>T

Gene: CCDC39 (coiled-coil domain 39 molecular ruler complex subunit; minus strand). Cytogenetic location: 3q26.33.
Variant type: single nucleotide variant.
Coding change: c.931-1G>T on transcript NM_181426.2 (MANE Select); the canonical splice acceptor site of the intron before coding-DNA position 931, G replaced by T.
Molecular consequence: splice acceptor variant.
Genome position (GRCh38, 1-based): chr3:180,652,267, C>A on the plus strand (G>T on the coding strand, the complement: CCDC39 is on the minus strand). VCF-style: chr3-180652267-C-A. GRCh37 (hg19) VCF-style: chr3-180370055-C-A.
Identifiers: ClinVar variation 2715292 (VCV002715292.4), dbSNP rs1711503031, ClinGen allele CA355299664.

ClinVar aggregate classification (germline): Pathogenic. Review status: criteria provided, multiple submitters, no conflicts (2 of 4 stars). 2 submissions from 2 submitters: Pathogenic (2). Last evaluated 2024-07-29.

Conditions:
Primary ciliary dyskinesia. Also called: Ciliary dyskinesia. Identifiers: Orphanet 244, MedGen C0008780, MONDO:0016575, HP:0012265.

Allele frequency attached by ClinVar (database versions not stated): TOPMed 0.00001.

Submissions (2):

Labcorp Genetics (formerly Invitae), Labcorp
Classification: Pathogenic for Primary ciliary dyskinesia. Last evaluated: 2024-07-29. Review status: criteria provided, single submitter. Criteria: Invitae Variant Classification Sherloc (09022015). Collection method: clinical testing. Allele origin: germline.
Comment: This sequence change affects an acceptor splice site in intron 7 of the CCDC39 gene. It is expected to disrupt RNA splicing. Variants that disrupt the donor or acceptor splice site typically lead to a loss of protein function (PMID: 16199547), and loss-of-function variants in CCDC39 are known to be pathogenic (PMID: 21131972, 23255504). This variant is not present in population databases (gnomAD no frequency). Disruption of this splice site has been observed in individual(s) with primary ciliary dyskinesia (Invitae). Algorithms developed to predict the effect of sequence changes on RNA splicing suggest that this variant may disrupt the consensus splice site. For these reasons, this variant has been classified as Pathogenic.

GeneDx
Classification: Pathogenic. Last evaluated: 2024-03-26. Review status: criteria provided, single submitter. Criteria: GeneDx Variant Classification Process June 2021. Collection method: clinical testing. Allele origin: germline. Affected: yes.
Comment: Canonical splice site variant predicted to result in a null allele in a gene for which loss of function is a known mechanism of disease; Not observed at significant frequency in large population cohorts (gnomAD); Has not been previously published as pathogenic or benign to our knowledge

Literature cited by the submitters: PubMed 16199547 (cited by Labcorp Genetics (formerly Invitae), Labcorp); PubMed 21131972 (cited by Labcorp Genetics (formerly Invitae), Labcorp); PubMed 23255504 (cited by Labcorp Genetics (formerly Invitae), Labcorp).